The following is an entry in ClinVar:

ClinVar aggregate classification (germline): Likely pathogenic (1 of 4 stars; one submission).

gnomAD v4.1: 5 of 1,594,998 alleles (0.00031%); highest among the groups gnomAD compares: Non-Finnish European, 0.00043%; no homozygotes.

Submission:

Labcorp Genetics (formerly Invitae), Labcorp
Classification: Likely pathogenic. Last evaluated: 2025-05-22. Review status: criteria provided, single submitter. Criteria: Invitae Variant Classification Sherloc (09022015). Collection method: clinical testing. Allele origin: germline.
Comment: This sequence change affects a donor splice site in intron 6 of the TUB gene. It is expected to disrupt RNA splicing. Variants that disrupt the donor or acceptor splice site typically lead to a loss of protein function (PMID: 16199547), and loss-of-function variants in TUB are known to be pathogenic (PMID: 24375934). The frequency data for this variant in the population databases is considered unreliable, as metrics indicate poor data quality at this position in the gnomAD database. This variant has not been reported in the literature in individuals affected with TUB-related conditions. ClinVar contains an entry for this variant (Variation ID: 3691480). Algorithms developed to predict the effect of sequence changes on RNA splicing suggest that this variant may disrupt the consensus splice site. In summary, the currently available evidence indicates that the variant is pathogenic, but additional data are needed to prove that conclusively. Therefore, this variant has been classified as Likely Pathogenic.

Literature cited by the submitters: PubMed 16199547; PubMed 24375934.

NM_177972.3(TUB):c.565+1G>A

Genes: RIC3 (RIC3 acetylcholine receptor chaperone; minus strand), TUB (TUB bipartite transcription factor; plus strand). Cytogenetic location: 11p15.4.
Variant type: single nucleotide variant.
Coding change: c.565+1G>A on transcript NM_177972.3 (MANE Select); the canonical splice donor site of the intron after coding-DNA position 565, G replaced by A.
Molecular consequence: splice donor variant.
Genome position (GRCh38, 1-based): chr11:8,095,666, G>A. VCF-style: chr11-8095666-G-A. GRCh37 (hg19) VCF-style: chr11-8117213-G-A.
Other names: c.730+1G>A (NM_003320.5).
Identifiers: ClinVar variation 3691480 (VCV003691480.2).